The following is an entry in ClinVar:

NM_198253.3(TERT):c.3377A>G (p.Asp1126Gly)

Gene: TERT (telomerase reverse transcriptase; minus strand). Cytogenetic location: 5p15.33.
Variant type: single nucleotide variant.
Coding change: c.3377A>G on transcript NM_198253.3 (MANE Select); coding-DNA position 3377, A replaced by G.
Protein change: p.Asp1126Gly; replaces aspartic acid 1126 with glycine.
Molecular consequence: missense variant. On other transcripts: non-coding transcript variant (2).
Genome position (GRCh38, 1-based): chr5:1,253,750, T>C on the plus strand (A>G on the coding strand, the complement: TERT is on the minus strand). VCF-style: chr5-1253750-T-C. GRCh37 (hg19) VCF-style: chr5-1253865-T-C.
Other names: c.3188A>G, p.Asp1063Gly (NM_001193376.3); short protein forms D1063G, D1126G.
Identifiers: ClinVar variation 3455217 (VCV003455217.1).

ClinVar aggregate classification (germline): Uncertain significance (1 of 4 stars; one submission).

Conditions:
Dyskeratosis congenita. Identifiers: Orphanet 1775, MedGen C0265965, MONDO:0015780.

Submission:

Ambry Genetics
Classification: Uncertain significance for Dyskeratosis congenita. Last evaluated: 2024-11-14. Review status: criteria provided, single submitter. Criteria: Ambry Variant Classification Scheme 2023. Collection method: clinical testing. Allele origin: germline.
Comment: The p.D1126G variant (also known as c.3377A>G), located in coding exon 16 of the TERT gene, results from an A to G substitution at nucleotide position 3377. The aspartic acid at codon 1126 is replaced by glycine, an amino acid with similar properties. This amino acid position is conserved. In addition, the in silico prediction for this alteration is inconclusive. Based on the available evidence, the clinical significance of this variant remains unclear.